The following is an entry in ClinVar:

ClinVar aggregate classification (germline): Benign/Likely benign. Review status: criteria provided, multiple submitters, no conflicts (2 of 4 stars). 13 submissions from 13 submitters: Benign (8); Likely benign (3). 2 of the submissions do not count toward it. Last evaluated 2026-02-01.

Conditions:
Familial isolated arrhythmogenic right ventricular dysplasia. Identifiers: Orphanet 217656, MedGen C4274968, MONDO:0016342.
Cardiomyopathy (CMYO). Also called: Cardiomyopathies. Identifiers: Orphanet 167848, MedGen C0878544, MONDO:0004994, HP:0001638. Inheritance: Various modes of inheritance.
Arrhythmogenic right ventricular dysplasia 11. Also called: ARRHYTHMOGENIC RIGHT VENTRICULAR DYSPLASIA, FAMILIAL, 11; Arrhythmogenic Right Ventricular Dysplasia/Cardiomyopathy11; Arrhythmogenic right ventricular dysplasia 11 with mild palmoplantar keratoderma and woolly hair. Identifiers: MedGen C1864850, MONDO:0012506, OMIM 610476.
Hypertrophic cardiomyopathy. Also called: HYPERTROPHIC MYOCARDIOPATHY. Identifiers: Orphanet 217569, MedGen C0007194, MeSH D002312, MONDO:0005045, HP:0001639.

Submissions (13):

Labcorp Genetics (formerly Invitae), Labcorp
Classification: Benign for Arrhythmogenic right ventricular dysplasia 11. Last evaluated: 2026-02-01. Review status: criteria provided, single submitter. Criteria: Invitae Variant Classification Sherloc (09022015). Collection method: clinical testing. Allele origin: germline.

Blueprint Genetics
Classification: Likely benign. Last evaluated: 2024-10-30. Review status: criteria provided, single submitter. Criteria: ACMG Guidelines, 2015. Collection method: clinical testing. Allele origin: germline.

Mendelics
Classification: Benign for Arrhythmogenic right ventricular dysplasia 11. Last evaluated: 2023-08-22. Review status: criteria provided, single submitter. Criteria: Mendelics Assertion Criteria 2019. Collection method: clinical testing. Allele origin: germline.

Women's Health and Genetics/Laboratory Corporation of America, LabCorp
Classification: Benign. Last evaluated: 2019-02-06. Review status: criteria provided, single submitter. Criteria: LabCorp Variant Classification Summary - May 2015. Collection method: clinical testing. Allele origin: germline.
Comment: Variant summary: DSC2 c.2368_2370delGGA (p.Gly790del) results in an in-frame deletion that is predicted to remove one amino acid from the encoded protein. The variant allele was found at a frequency of 0.0013 in 276824 control chromosomes, predominantly at a frequency of 0.018 within the East Asian subpopulation in the gnomAD database, including 6 homozygotes. The observed variant frequency within East Asian control individuals in the gnomAD database is approximately 110 fold of the estimated maximal expected allele frequency for a pathogenic variant in DSC2 causing Arrhythmogenic Right Ventricular Dysplasia/Cardiomyopathy phenotype (0.00016), strongly suggesting that the variant is a benign polymorphism found primarily in populations of East Asian origin. c.2368_2370delGGA has been reported in the literature in affected individuals, where in several reports the affected patients were of East Asian origin (e.g. Hata_2017, Ichikawa_2016, Gerhardt_2015, Ng_2013, Fressart_2010). These reports do not provide unequivocal conclusions about association of the variant with Arrhythmogenic Right Ventricular Dysplasia/Cardiomyopathy. To our knowledge, no experimental evidence demonstrating an impact on protein function has been reported. ClinVar submissions from four clinical diagnostic laboratories and one research laboratory (evaluation after 2014) cite the variant as benign (4x) and likely benign (1x). Based on the evidence outlined above, the variant was classified as benign.

Center for Advanced Laboratory Medicine, UC San Diego Health, University of California San Diego
Classification: Likely benign for Hypertrophic cardiomyopathy. Last evaluated: 2018-05-08. Review status: criteria provided, single submitter. Criteria: ACMG Guidelines, 2015. Collection method: clinical testing. Allele origin: germline. Affected: yes. Observed: 1 variant allele.

Biesecker Lab/Clinical Genomics Section, National Institutes of Health
Classification: Benign for Cardiomyopathy, arrhythmogenic right ventricular dysplasia. Last evaluated: 2018-04-05. Review status: criteria provided, single submitter. Criteria: ACMG Guidelines, 2015. Collection method: research. Allele origin: unknown. Affected: no. Observed: 1 variant allele.
Comment: The study set was not selected for affection status in relation to arrhythmia or cardiomyopathy. Pathogenicity categories were based on literature curation. See Pubmed ID:25741868 for details.

Medical sequencing

Color Diagnostics, LLC DBA Color Health
Classification: Benign for Cardiomyopathy. Last evaluated: 2018-03-16. Review status: criteria provided, single submitter. Criteria: ACMG Guidelines, 2015. Collection method: clinical testing. Allele origin: germline.

CHEO Genetics Diagnostic Laboratory, Children's Hospital of Eastern Ontario
Classification: Benign for Cardiomyopathy. Last evaluated: 2018-03-12. Review status: criteria provided, single submitter. Criteria: ACMG Guidelines, 2015. Collection method: clinical testing. Allele origin: germline.

GeneDx
Classification: Benign. Last evaluated: 2017-02-22. Review status: criteria provided, single submitter. Criteria: GeneDx Variant Classification (06012015). Collection method: clinical testing. Allele origin: germline. Affected: yes.
Comment: This variant is considered likely benign or benign based on one or more of the following criteria: it is a conservative change, it occurs at a poorly conserved position in the protein, it is predicted to be benign by multiple in silico algorithms, and/or has population frequency not consistent with disease.

Genome Diagnostics Laboratory, University Medical Center Utrecht
Classification: Likely benign for Arrhythmogenic right ventricular dysplasia 11. Last evaluated: 2016-12-08. Review status: criteria provided, single submitter. Criteria: ACGS Guidelines, 2013. Collection method: clinical testing. Allele origin: germline. Affected: yes. Study: VKGL Data-share Consensus.

Laboratory for Molecular Medicine, Mass General Brigham Personalized Medicine
Classification: Benign. Last evaluated: 2015-04-23. Review status: criteria provided, single submitter. Criteria: LMM Criteria. Collection method: clinical testing. Allele origin: germline. Observed: 1 variant allele.
Comment: p.Gly790del in exon 15 of DSC2: This variant is not expected to have clinical si gnificance because it has been identified in 1.8% (153/8642) of East Asian chrom osomes by the Exome Aggregation Consortium (ExAC ; dbSNP rs377272752).

Clinical Genetics, Academic Medical Center
Classification: Benign. Review status: no assertion criteria provided. Collection method: clinical testing. Allele origin: germline. Affected: yes. Study: VKGL Data-share Consensus. Not counted in ClinVar's aggregate classification.

Joint Genome Diagnostic Labs from Nijmegen and Maastricht, Radboudumc and MUMC+
Classification: Likely benign. Review status: no assertion criteria provided. Collection method: clinical testing. Allele origin: germline. Affected: yes. Study: VKGL Data-share Consensus. Not counted in ClinVar's aggregate classification.

Literature cited by the submitters: PubMed 20400443 (cited by Women's Health and Genetics/Laboratory Corporation of America, LabCorp and Laboratory for Molecular Medicine, Mass General Brigham Personalized Medicine); PubMed 23861362 (cited by Women's Health and Genetics/Laboratory Corporation of America, LabCorp and Laboratory for Molecular Medicine, Mass General Brigham Personalized Medicine); PubMed 28471438 (cited by Women's Health and Genetics/Laboratory Corporation of America, LabCorp); PubMed 29802319 (cited by Women's Health and Genetics/Laboratory Corporation of America, LabCorp); PubMed 27135274 (cited by Women's Health and Genetics/Laboratory Corporation of America, LabCorp); PubMed 27784853 (cited by Women's Health and Genetics/Laboratory Corporation of America, LabCorp); PubMed 28767663 (cited by Women's Health and Genetics/Laboratory Corporation of America, LabCorp).

NM_024422.6(DSC2):c.2365GGA[1] (p.Gly790del)

Gene: DSC2 (desmocollin 2; minus strand). Cytogenetic location: 18q12.1.
Variant type: Microsatellite.
Coding change: c.2365GGA[1] on transcript NM_024422.6 (MANE Select); one copy of the 3-base unit GGA starting at c.2365; the reference has two copies in a row; one copy, 3 bases deleted.
Protein change: p.Gly790del; deletes glycine 790.
Molecular consequence: inframe deletion.
Genome position (GRCh38, 1-based): chr18:31,069,032-31,069,034, TCC deleted on the plus strand (GGA on the coding strand, the reverse complement: DSC2 is on the minus strand); deleting any 3 consecutive bases within chr18:31,069,032-31,069,038 gives the same sequence; the position shown is the placement nearest the transcript's 3' end. VCF-style (leftmost placement, unchanged base first): chr18-31069031-GTCC-G. GRCh37 (hg19) VCF-style: chr18-28648997-GTCC-G.
Other names: c.2368_2370delGGA (NM_024422.4); c.2365GGA[1], p.Gly790del (NM_004949.5); short protein forms G790del.
Identifiers: ClinVar variation 180319 (VCV000180319.32), dbSNP rs377272752, ClinGen allele CA022684.